The following is an entry in ClinVar:

ClinVar aggregate classification (germline): Likely benign. Review status: criteria provided, single submitter (1 of 4 stars). 2 submissions from 2 submitters: Likely benign (1). 1 of the submissions does not count toward it. Last evaluated 2025-10-02.

Conditions:
IGSF10-related disorder. Also called: IGSF10-related condition.

Allele frequency attached by ClinVar (database versions not stated): 1000 Genomes Project 0.00060; gnomAD 0.00021; 1000 Genomes Project 30x 0.00047; ExAC 0.00058; TOPMed 0.00020; gnomAD exomes 0.00022.

Submissions (2):

Labcorp Genetics (formerly Invitae), Labcorp
Classification: Likely benign. Last evaluated: 2025-10-02. Review status: criteria provided, single submitter. Criteria: Invitae Variant Classification Sherloc (09022015). Collection method: clinical testing. Allele origin: germline.

PreventionGenetics, part of Exact Sciences
Classification: Likely benign for IGSF10-related condition. Last evaluated: 2022-03-15. Review status: no assertion criteria provided. Collection method: clinical testing. Allele origin: germline. Not counted in ClinVar's aggregate classification.
Comment: This variant is classified as likely benign based on ACMG/AMP sequence variant interpretation guidelines (Richards et al. 2015 PMID: 25741868, with internal and published modifications).

NM_178822.5(IGSF10):c.2180A>G (p.Gln727Arg)

Gene: IGSF10 (immunoglobulin superfamily member 10; minus strand). Cytogenetic location: 3q25.1.
Variant type: single nucleotide variant.
Coding change: c.2180A>G on transcript NM_178822.5 (MANE Select); coding-DNA position 2180, A replaced by G.
Protein change: p.Gln727Arg; replaces glutamine 727 with arginine.
Molecular consequence: missense variant.
Genome position (GRCh38, 1-based): chr3:151,447,801, T>C on the plus strand (A>G on the coding strand, the complement: IGSF10 is on the minus strand). VCF-style: chr3-151447801-T-C. GRCh37 (hg19) VCF-style: chr3-151165589-T-C.
Other names: c.2180A>G, p.Gln727Arg (NM_001385060.1, NM_001385061.1, NM_001385062.1 and 1 more transcripts); short protein forms Q727R.
Identifiers: ClinVar variation 3044914 (VCV003044914.4), dbSNP rs201547344, ClinGen allele CA2670397.
Genomic context (GRCh38, chr3:151,447,801, plus strand): 5'-GAGGGAGGGAAATGCCTCCTATTCTCCCTAAAACGTCGATGTGTTGAATCTCCACGTCGC[T>C]GGAGTGTTAATTCCCGATAGTTGTGCCTCTTACTTGTGCTTGAGGTGTGTTTTCCAACCT-3'
Protein context (NP_849144.2, residues 717-737): KRHNYRELTL[Gln727Arg]RRGDSTHRRF